The following is an entry in ClinVar:

ClinVar aggregate classification (germline): Uncertain significance (1 of 4 stars; one submission).

Submission:

Women's Health and Genetics/Laboratory Corporation of America, LabCorp
Classification: Uncertain significance. Last evaluated: 2026-02-10. Review status: criteria provided, single submitter. Criteria: LabCorp Variant Classification Summary - May 2015. Collection method: clinical testing. Allele origin: germline.
Comment: Variant summary: G6PD c.63_65dupGCG (p.Arg25dup) results in an in-frame duplication that is predicted to duplicate 1 amino acid into the encoded protein. The variant was absent in 100046 control chromosomes. The available data on variant occurrences in the general population are insufficient to allow any conclusion about variant significance. To our knowledge, no occurrence of c.63_65dupGCG in individuals affected with G6PD-related conditions and no experimental evidence demonstrating its impact on protein function have been reported. No submitters have cited clinical-significance assessments for this variant to ClinVar. Based on the evidence outlined above, the variant was classified as uncertain significance.

NM_001360016.2(G6PD):c.-28_-26dup

Genes: G6PD (glucose-6-phosphate dehydrogenase; minus strand), IKBKG (inhibitor of nuclear factor kappa B kinase regulatory subunit gamma; plus strand), LOC107181288 (origin of replication in promoter of G6PD; plus strand), LOC129929052 (ATAC-STARR-seq lymphoblastoid silent region 21114; plus strand). Cytogenetic location: Xq28.
Variant type: Duplication.
Coding change: c.-28_-26dup on transcript NM_001360016.2 (MANE Select); 28 bases upstream of the start codon through 26 bases upstream of the start codon, 3 bases duplicated (GCG; older notation c.-28_-26dupGCG).
Molecular consequence: 5 prime UTR variant. On other transcripts: inframe insertion (2), intron variant (5).
Genome position (GRCh38, 1-based): chrX:154,546,806-154,546,808, CGC duplicated on the plus strand (GCG on the coding strand, the reverse complement: G6PD is on the minus strand); duplicating any 3 consecutive bases within chrX:154,546,806-154,546,809 gives the same sequence; the c. name uses the placement nearest the transcript's 3' end. VCF-style (leftmost placement, unchanged base first): chrX-154546805-T-TCGC. GRCh37 (hg19) VCF-style: chrX-153775020-T-TCGC.
Other names: c.63_65dupGCG (NM_000402.4); c.63_65dup, p.Arg25_Ser26insArg (NM_000402.4); c.-8-645_-8-643dup (NM_001042351.3); c.-15-5181_-15-5179dup (NM_001377312.1, NM_001377313.1); c.189+4355_189+4357dup (NM_001099856.6); c.-16+4420_-16+4422dup (NM_001321396.3).
Identifiers: ClinVar variation 4847944 (VCV004847944.1).
Genomic context (GRCh38, chrX:154,546,805, plus strand): 5'-ACAGTACGCTCCTCCGCCTGCGCGGCGCCCGCCCGGCCGGTTACCTGCGCTTCGTCGTCG[T>TCGC]CGCCCTCCGCGCTCGCAGCCCCGAAGTGTACGACCGTTTCCGGGGGCTGAGCCCCGCCGG-3'